The following is an entry in ClinVar:

ClinVar aggregate classification (germline): Uncertain significance (1 of 4 stars; one submission).

Submission:

Ambry Genetics
Classification: Uncertain significance. Last evaluated: 2025-09-10. Review status: criteria provided, single submitter. Criteria: Ambry Variant Classification Scheme 2023. Collection method: clinical testing. Allele origin: germline.
Comment: The p.R67G variant (also known as c.199A>G), located in coding exon 2 of the GFI1 gene, results from an A to G substitution at nucleotide position 199. The arginine at codon 67 is replaced by glycine, an amino acid with dissimilar properties. This amino acid position is conserved. In addition, this alteration is predicted to be tolerated by in silico analysis. Based on the available evidence, the clinical significance of this variant remains unclear.

NM_005263.5(GFI1):c.199A>G (p.Arg67Gly)

Gene: GFI1 (growth factor independent 1 transcriptional repressor; minus strand). Cytogenetic location: 1p22.1.
Variant type: single nucleotide variant.
Coding change: c.199A>G on transcript NM_005263.5 (MANE Select); coding-DNA position 199, A replaced by G.
Protein change: p.Arg67Gly; replaces arginine 67 with glycine.
Molecular consequence: missense variant.
Genome position (GRCh38, 1-based): chr1:92,482,963, T>C on the plus strand (A>G on the coding strand, the complement: GFI1 is on the minus strand). VCF-style: chr1-92482963-T-C. GRCh37 (hg19) VCF-style: chr1-92948520-T-C.
Other names: c.199A>G, p.Arg67Gly (NM_001127215.3, NM_001127216.3); short protein forms R67G.
Identifiers: ClinVar variation 4263252 (VCV004263252.1).